The following is an entry in ClinVar:

ClinVar aggregate classification (germline): Uncertain significance (1 of 4 stars; one submission).

Submission:

Ambry Genetics
Classification: Uncertain significance. Last evaluated: 2026-03-28. Review status: criteria provided, single submitter. Criteria: Ambry Variant Classification Scheme 2023. Collection method: clinical testing. Allele origin: germline.
Comment: The p.D51H variant (also known as c.151G>C), located in coding exon 3 of the RINT1 gene, results from a G to C substitution at nucleotide position 151. The aspartic acid at codon 51 is replaced by histidine, an amino acid with similar properties. This amino acid position is conserved. In addition, this alteration is predicted to be tolerated by in silico analysis. Based on the available evidence, the clinical significance of this variant remains unclear.

NM_021930.6(RINT1):c.151G>C (p.Asp51His)

Gene: RINT1 (RAD50 interactor 1; plus strand). Cytogenetic location: 7q22.3.
Variant type: single nucleotide variant.
Coding change: c.151G>C on transcript NM_021930.6 (MANE Select); coding-DNA position 151, G replaced by C.
Protein change: p.Asp51His; replaces aspartic acid 51 with histidine.
Molecular consequence: missense variant. On other transcripts: 5 prime UTR variant (3), non-coding transcript variant (1), intron variant (1).
Genome position (GRCh38, 1-based): chr7:105,536,627, G>C. VCF-style: chr7-105536627-G-C. GRCh37 (hg19) VCF-style: chr7-105177074-G-C.
Other names: c.-869G>C (NM_001346600.2); c.-772G>C (NM_001346601.2); c.-392G>C (NM_001346603.2); c.39+15G>C (NM_001346599.2); short protein forms D51H.
Identifiers: ClinVar variation 4863324 (VCV004863324.1).
Genomic context (GRCh38, chr7:105,536,627, plus strand): 5'-GACATAAATGTTACAGTTCTTATTGGAAGTAAACAAGTCAGTGAAGGTACAGATAATGGT[G>C]ATCTCCCTTCTTATGTGTCTGCATTCATAGAAAAGGAAGTTGGAAATGACCTTAAATCTT-3'
Protein context (NP_068749.3, residues 41-61): KQVSEGTDNG[Asp51His]LPSYVSAFIE